The following is an entry in ClinVar:

NM_000400.4(ERCC2):c.2114A>G (p.Asn705Ser)

Gene: ERCC2 (ERCC excision repair 2, TFIIH core complex helicase subunit; minus strand). Cytogenetic location: 19q13.32.
Variant type: single nucleotide variant.
Coding change: c.2114A>G on transcript NM_000400.4 (MANE Select); coding-DNA position 2114, A replaced by G.
Protein change: p.Asn705Ser; replaces asparagine 705 with serine.
Molecular consequence: missense variant.
Genome position (GRCh38, 1-based): chr19:45,352,285, T>C on the plus strand (A>G on the coding strand, the complement: ERCC2 is on the minus strand). VCF-style: chr19-45352285-T-C. GRCh37 (hg19) VCF-style: chr19-45855543-T-C.
Other names: c.2114A>G (NM_000400.3); short protein forms N705S.
Identifiers: ClinVar variation 1350630 (VCV001350630.8), dbSNP rs140296400, ClinGen allele CA9512883.

ClinVar aggregate classification (germline): Conflicting classifications of pathogenicity. Review status: criteria provided, conflicting classifications (1 of 4 stars). 2 submissions from 2 submitters: Uncertain significance (1); Likely benign (1). Last evaluated 2026-02-04.

Conditions:
Inborn genetic diseases. Identifiers: MedGen C0950123, MeSH D030342.

Allele frequency attached by ClinVar (database versions not stated): TOPMed 0.00013; 1000 Genomes Project 30x 0.00016; gnomAD 0.00017 and 0.00019; 1000 Genomes Project 0.00020; ESP Exome Variant Server 0.00023.
gnomAD v4.1: 466 of 1,614,010 alleles (0.029%); highest among the groups gnomAD compares: Non-Finnish European, 0.034%; no homozygotes.

Submissions (2):

Ambry Genetics
Classification: Likely benign for Inborn genetic diseases. Last evaluated: 2026-02-04. Review status: criteria provided, single submitter. Criteria: Ambry Variant Classification Scheme 2023. Collection method: clinical testing. Allele origin: germline.

Labcorp Genetics (formerly Invitae), Labcorp
Classification: Uncertain significance. Last evaluated: 2024-10-29. Review status: criteria provided, single submitter. Criteria: Invitae Variant Classification Sherloc (09022015). Collection method: clinical testing. Allele origin: germline.
Comment: This sequence change replaces asparagine, which is neutral and polar, with serine, which is neutral and polar, at codon 705 of the ERCC2 protein (p.Asn705Ser). This variant is present in population databases (rs140296400, gnomAD 0.08%). This variant has not been reported in the literature in individuals affected with ERCC2-related conditions. ClinVar contains an entry for this variant (Variation ID: 1350630). Invitae Evidence Modeling of protein sequence and biophysical properties (such as structural, functional, and spatial information, amino acid conservation, physicochemical variation, residue mobility, and thermodynamic stability) has been performed for this missense variant. However, the output from this modeling did not meet the statistical confidence thresholds required to predict the impact of this variant on ERCC2 protein function. In summary, the available evidence is currently insufficient to determine the role of this variant in disease. Therefore, it has been classified as a Variant of Uncertain Significance.

Literature cited by the submitters: PubMed 36413997 (cited by Ambry Genetics).